The following is an entry in ClinVar:

ClinVar aggregate classification (germline): Likely pathogenic (1 of 4 stars; one submission).

Conditions:
Primary ciliary dyskinesia. Also called: Ciliary dyskinesia. Identifiers: Orphanet 244, MedGen C0008780, MONDO:0016575, HP:0012265.

gnomAD v4.1: 2 of 1,614,002 alleles (0.00012%); highest among the groups gnomAD compares: Non-Finnish European, 0.00017%; no homozygotes.

Submission:

Labcorp Genetics (formerly Invitae), Labcorp
Classification: Likely pathogenic for Primary ciliary dyskinesia. Last evaluated: 2021-05-13. Review status: criteria provided, single submitter. Criteria: Invitae Variant Classification Sherloc (09022015). Collection method: clinical testing. Allele origin: germline.
Comment: This sequence change affects a donor splice site in intron 15 of the DNAI1 gene. It is expected to disrupt RNA splicing and likely results in an absent or disrupted protein product. This variant is not present in population databases (ExAC no frequency). In summary, the currently available evidence indicates that the variant is pathogenic, but additional data are needed to prove that conclusively. Therefore, this variant has been classified as Likely Pathogenic. Donor and acceptor splice site variants typically lead to a loss of protein function (PMID: 16199547), and loss-of-function variants in DNAI1 are known to be pathogenic (PMID: 16858015). Algorithms developed to predict the effect of sequence changes on RNA splicing suggest that this variant may disrupt the consensus splice site, but this prediction has not been confirmed by published transcriptional studies. This variant has not been reported in the literature in individuals with DNAI1-related conditions.

Literature cited by the submitters: PubMed 16199547; PubMed 16858015.

NM_012144.4(DNAI1):c.1489+2T>G

Gene: DNAI1 (dynein axonemal intermediate chain 1; plus strand). Cytogenetic location: 9p13.3.
Variant type: single nucleotide variant.
Coding change: c.1489+2T>G on transcript NM_012144.4 (MANE Select); the canonical splice donor site of the intron after coding-DNA position 1489, T replaced by G.
Molecular consequence: splice donor variant.
Genome position (GRCh38, 1-based): chr9:34,512,426, T>G. VCF-style: chr9-34512426-T-G. GRCh37 (hg19) VCF-style: chr9-34512424-T-G.
Other names: c.1501+2T>G (NM_001281428.2).
Identifiers: ClinVar variation 945534 (VCV000945534.8), dbSNP rs1825084931, ClinGen allele CA373261482.
Genomic context (GRCh38, chr9:34,512,426, plus strand): 5'-GCTGAAGGTGGAAGGCAGCACCACGGAAGTTCCTGAGGGGTTGCAGCTGCACCCAGTGGG[T>G]AGGAGCCCCAGCCCTCTCACCTCCAGGCCTGGCCAGGTCATTCAGGCCCAGTGAGGGTCA-3'